The following is an entry in ClinVar:

ClinVar aggregate classification (germline): Uncertain significance (1 of 4 stars; one submission).

Submission:

GeneDx
Classification: Uncertain significance. Last evaluated: 2024-02-28. Review status: criteria provided, single submitter. Criteria: GeneDx Variant Classification Process June 2021. Collection method: clinical testing. Allele origin: germline. Affected: yes.
Comment: Not observed at significant frequency in large population cohorts (gnomAD); Frameshift variant predicted to result in protein truncation or nonsense mediated decay in a gene or region of a gene for which loss of function is not a well-established mechanism of disease; Has not been previously published as pathogenic or benign to our knowledge

NM_000937.5(POLR2A):c.2635_2644del (p.Val879fs)

Genes: POLR2A (RNA polymerase II subunit A; plus strand), LOC126862481 (BRD4-independent group 4 enhancer GRCh37_chr17:7405086-7406285; plus strand). Cytogenetic location: 17p13.1.
Variant type: Deletion.
Coding change: c.2635_2644del on transcript NM_000937.5 (MANE Select); coding-DNA positions 2635 to 2644, 10 bases deleted (GTGCGGAACT; older notation c.2635_2644delGTGCGGAACT).
Protein change: p.Val879fs; shifts the reading frame from valine 879.
Molecular consequence: frameshift variant.
Genome position (GRCh38, 1-based): chr17:7,502,580-7,502,589, GTGCGGAACT deleted; deleting any 10 consecutive bases within chr17:7,502,577-7,502,589 gives the same sequence; the c. name uses the placement nearest the transcript's 3' end. VCF-style (leftmost placement, unchanged base first): chr17-7502576-GACTGTGCGGA-G. GRCh37 (hg19) VCF-style: chr17-7405895-GACTGTGCGGA-G.
Other names: short protein forms V879fs.
Identifiers: ClinVar variation 3369525 (VCV003369525.1).